The following is an entry in ClinVar:

NM_001378778.1(MPDZ):c.5278G>A (p.Ala1760Thr)

Gene: MPDZ (multiple PDZ domain crumbs cell polarity complex component; minus strand). Cytogenetic location: 9p23.
Variant type: single nucleotide variant.
Coding change: c.5278G>A on transcript NM_001378778.1 (MANE Select); coding-DNA position 5278, G replaced by A.
Protein change: p.Ala1760Thr; replaces alanine 1760 with threonine.
Molecular consequence: missense variant.
Genome position (GRCh38, 1-based): chr9:13,119,603, C>T on the plus strand (G>A on the coding strand, the complement: MPDZ is on the minus strand). VCF-style: chr9-13119603-C-T. GRCh37 (hg19) VCF-style: chr9-13119602-C-T.
Other names: c.5179G>A, p.Ala1727Thr (NM_001261406.2, NM_001261407.2, NM_001375416.1 and 3 more transcripts); c.5278G>A, p.Ala1760Thr (NM_001330637.2, NM_003829.5); c.5377G>A, p.Ala1793Thr (NM_001375413.1); c.5068G>A, p.Ala1690Thr (NM_001375420.1, NM_001375421.1, NM_001375422.1 and 4 more transcripts); c.4870G>A, p.Ala1624Thr (NM_001375427.1); short protein forms A1760T, A1727T, A1624T, A1690T, A1793T.
Identifiers: ClinVar variation 548150 (VCV000548150.12), dbSNP rs1554644827, ClinGen allele CA372943694.
Genomic context (GRCh38, chr9:13,119,603, plus strand): 5'-CGTCTTCCCCATTCACCATTAATATCTGGTCTCCCTGCATCAGTCTTCCATCGGCATCTG[C>T]AATTCCTCCTTTGACAATGTCTGACACAAATACTCCAGTATCGTTTCTACACACAATTTT-3'
Protein context (NP_001365707.1, residues 1750-1770): FVSDIVKGGI[Ala1760Thr]DADGRLMQGD

ClinVar aggregate classification (germline): Uncertain significance. Review status: criteria provided, single submitter (1 of 4 stars). 3 submissions from 3 submitters: Uncertain significance (1). 2 of the submissions do not count toward it. Last evaluated 2020-12-21.

Conditions:
Hydrocephalus, nonsyndromic, autosomal recessive 2. Also called: Hydrocephalus, congenital, 2, with or without brain or eye anomalies. Identifiers: Orphanet 2185, MedGen C3554691, MONDO:0014085, OMIM 615219.

Allele frequency attached by ClinVar (database versions not stated): gnomAD exomes below 0.00001.

Submissions (3):

Labcorp Genetics (formerly Invitae), Labcorp
Classification: Uncertain significance. Last evaluated: 2020-12-21. Review status: criteria provided, single submitter. Criteria: Invitae Variant Classification Sherloc (09022015). Collection method: clinical testing. Allele origin: germline.
Comment: In summary, the available evidence is currently insufficient to determine the role of this variant in disease. Therefore, it has been classified as a Variant of Uncertain Significance. Algorithms developed to predict the effect of missense changes on protein structure and function (SIFT, PolyPhen-2, Align-GVGD) all suggest that this variant is likely to be disruptive, but these predictions have not been confirmed by published functional studies and their clinical significance is uncertain. This variant has been observed in individual(s) with hydrocephalus (PMID: 28556411). ClinVar contains an entry for this variant (Variation ID: 548150). This variant is not present in population databases (ExAC no frequency). This sequence change replaces alanine with threonine at codon 1760 of the MPDZ protein (p.Ala1760Thr). The alanine residue is highly conserved and there is a small physicochemical difference between alanine and threonine.

Biochemical Molecular Genetic Laboratory, King Abdulaziz Medical City
Classification: Uncertain significance for Hydrocephalus, nonsyndromic, autosomal recessive 2. Last evaluated: 2019-01-29. Review status: no assertion criteria provided. Collection method: clinical testing. Allele origin: germline. Affected: yes. Not counted in ClinVar's aggregate classification.

OMIM
Classification: Pathogenic for HYDROCEPHALUS, CONGENITAL, 2, WITH EYE ANOMALIES. Last evaluated: 2018-07-10. Review status: no assertion criteria provided. Collection method: literature only. Allele origin: germline. Not counted in ClinVar's aggregate classification.

Literature cited by the submitters: PubMed 28556411 (cited by Labcorp Genetics (formerly Invitae), Labcorp and OMIM).